The following is an entry in ClinVar:

ClinVar aggregate classification (germline): Uncertain significance (1 of 4 stars; one submission).

Allele frequency attached by ClinVar (database versions not stated): TOPMed 0.00001; ExAC 0.00001; gnomAD 0.00001; gnomAD exomes 0.00001.

Submission:

Labcorp Genetics (formerly Invitae), Labcorp
Classification: Uncertain significance. Last evaluated: 2023-06-11. Review status: criteria provided, single submitter. Criteria: Invitae Variant Classification Sherloc (09022015). Collection method: clinical testing. Allele origin: germline.
Comment: This variant is present in population databases (rs752310575, gnomAD 0.007%). In summary, the available evidence is currently insufficient to determine the role of this variant in disease. Therefore, it has been classified as a Variant of Uncertain Significance. An algorithm developed to predict the effect of missense changes on protein structure and function (PolyPhen-2) suggests that this variant is likely to be tolerated. This variant has not been reported in the literature in individuals affected with CCT2-related conditions. This sequence change replaces arginine, which is basic and polar, with lysine, which is basic and polar, at codon 257 of the CCT2 protein (p.Arg257Lys).

NM_006431.3(CCT2):c.770G>A (p.Arg257Lys)

Gene: CCT2 (chaperonin containing TCP1 subunit 2; plus strand). Cytogenetic location: 12q15.
Variant type: single nucleotide variant.
Coding change: c.770G>A on transcript NM_006431.3 (MANE Select); coding-DNA position 770, G replaced by A.
Protein change: p.Arg257Lys; replaces arginine 257 with lysine.
Molecular consequence: missense variant.
Genome position (GRCh38, 1-based): chr12:69,592,995, G>A. VCF-style: chr12-69592995-G-A. GRCh37 (hg19) VCF-style: chr12-69986775-G-A.
Other names: c.629G>A, p.Arg210Lys (NM_001198842.2); short protein forms R257K, R210K.
Identifiers: ClinVar variation 2965876 (VCV002965876.3), dbSNP rs752310575, ClinGen allele CA6680685.